The following is an entry in ClinVar:

ClinVar aggregate classification (germline): Uncertain significance (1 of 4 stars; one submission).

Conditions:
Joubert syndrome. Also called: Familial aplasia of the vermis; JOUBERT-BOLTSHAUSER SYNDROME. Identifiers: Orphanet 475, MedGen C5979921, MONDO:0018772.
Meckel-Gruber syndrome. Also called: Dysencephalia splachnocystica; DYSENCEPHALIA SPLANCHNOCYSTICA; GRUBER SYNDROME. Identifiers: Orphanet 564, MedGen C0265215, MONDO:0018921.

Allele frequency attached by ClinVar (database versions not stated): gnomAD exomes below 0.00001.
gnomAD v4.1: 2 of 1,535,918 alleles (0.00013%); highest among the groups gnomAD compares: South Asian, 0.0013%; no homozygotes.

Submission:

Labcorp Genetics (formerly Invitae), Labcorp
Classification: Uncertain significance for Joubert syndrome; Meckel-Gruber syndrome. Last evaluated: 2022-04-28. Review status: criteria provided, single submitter. Criteria: Invitae Variant Classification Sherloc (09022015). Collection method: clinical testing. Allele origin: germline.
Comment: In summary, the available evidence is currently insufficient to determine the role of this variant in disease. Therefore, it has been classified as a Variant of Uncertain Significance. Variants that disrupt the consensus splice site are a relatively common cause of aberrant splicing (PMID: 17576681, 9536098). Algorithms developed to predict the effect of sequence changes on RNA splicing suggest that this variant may disrupt the consensus splice site. This variant has not been reported in the literature in individuals affected with CC2D2A-related conditions. This variant is not present in population databases (gnomAD no frequency). This sequence change falls in intron 32 of the CC2D2A gene. It does not directly change the encoded amino acid sequence of the CC2D2A protein. It affects a nucleotide within the consensus splice site.

Literature cited by the submitters: PubMed 17576681; PubMed 9536098.

NM_001378615.1(CC2D2A):c.4065+6T>C

Genes: CC2D2A (coiled-coil and C2 domain containing 2A; plus strand), FBXL5 (F-box and leucine rich repeat protein 5; minus strand). Cytogenetic location: 4p15.32.
Variant type: single nucleotide variant.
Coding change: c.4065+6T>C on transcript NM_001378615.1 (MANE Select); 6 bases into the intron after coding-DNA position 4065, T replaced by C.
Molecular consequence: intron variant.
Genome position (GRCh38, 1-based): chr4:15,586,252, T>C. VCF-style: chr4-15586252-T-C. GRCh37 (hg19) VCF-style: chr4-15587875-T-C.
Other names: c.4065+6T>C (NM_001080522.2); c.3918+6T>C (NM_001378617.1).
Identifiers: ClinVar variation 1908711 (VCV001908711.4), dbSNP rs2475119906, ClinGen allele CA2578048164.
Genomic context (GRCh38, chr4:15,586,252, plus strand): 5'-CTTGCCTGACACTGTCTCATTTGGTGGTATCTGTGACCTCTGGAGCACATCTGATGTAAG[T>C]AGTTCTTCTTCACAGATTTAGAAACTTGAGCTGACTTAATGAAATATTAGCTAACTGACT-3'